The following is an entry in ClinVar:

ClinVar aggregate classification (germline): Uncertain significance (1 of 4 stars; one submission).

Submission:

Labcorp Genetics (formerly Invitae), Labcorp
Classification: Uncertain significance. Last evaluated: 2024-10-08. Review status: criteria provided, single submitter. Criteria: Invitae Variant Classification Sherloc (09022015). Collection method: clinical testing. Allele origin: germline.
Comment: This sequence change replaces serine, which is neutral and polar, with arginine, which is basic and polar, at codon 153 of the STAT4 protein (p.Ser153Arg). This variant is not present in population databases (gnomAD no frequency). This variant has not been reported in the literature in individuals affected with STAT4-related conditions. Invitae Evidence Modeling of protein sequence and biophysical properties (such as structural, functional, and spatial information, amino acid conservation, physicochemical variation, residue mobility, and thermodynamic stability) indicates that this missense variant is not expected to disrupt STAT4 protein function with a negative predictive value of 80%. In summary, the available evidence is currently insufficient to determine the role of this variant in disease. Therefore, it has been classified as a Variant of Uncertain Significance.

NM_003151.4(STAT4):c.459T>G (p.Ser153Arg)

Gene: STAT4 (signal transducer and activator of transcription 4; minus strand). Cytogenetic location: 2q32.2.
Variant type: single nucleotide variant.
Coding change: c.459T>G on transcript NM_003151.4 (MANE Select); coding-DNA position 459, T replaced by G.
Protein change: p.Ser153Arg; replaces serine 153 with arginine.
Molecular consequence: missense variant.
Genome position (GRCh38, 1-based): chr2:191,073,104, A>C on the plus strand (T>G on the coding strand, the complement: STAT4 is on the minus strand). VCF-style: chr2-191073104-A-C. GRCh37 (hg19) VCF-style: chr2-191937830-A-C.
Other names: c.459T>G, p.Ser153Arg (NM_001243835.2); short protein forms S153R.
Identifiers: ClinVar variation 3633646 (VCV003633646.2).
Genomic context (GRCh38, chr2:191,073,104, plus strand): 5'-AGTTATATGGGGACAGTATCTAGACTTTCTAGGTATCTGTATAAAAGCACTTACCTGCAC[A>C]CTGTTTTTAATGGCAGCCACTTTGTGCTCCACATTCCTCTGTCTTTCTGAAACTGAAGAA-3'
Protein context (NP_003142.1, residues 143-163): VEHKVAAIKN[Ser153Arg]VQMTEQDTKY